The following is an entry in ClinVar:

NM_000539.3(RHO):c.541G>A (p.Glu181Lys)

Gene: RHO (rhodopsin; plus strand). Cytogenetic location: 3q22.1.
Variant type: single nucleotide variant.
Coding change: c.541G>A on transcript NM_000539.3 (MANE Select); coding-DNA position 541, G replaced by A.
Protein change: p.Glu181Lys; replaces glutamic acid 181 with lysine.
Molecular consequence: missense variant.
Genome position (GRCh38, 1-based): chr3:129,532,261, G>A. VCF-style: chr3-129532261-G-A. GRCh37 (hg19) VCF-style: chr3-129251104-G-A.
Other names: short protein forms E181K.
Identifiers: ClinVar variation 196282 (VCV000196282.58), dbSNP rs775557680, ClinGen allele CA275168.

ClinVar aggregate classification (germline): Pathogenic/Likely pathogenic. Review status: criteria provided, multiple submitters, no conflicts (2 of 4 stars). 17 submissions from 16 submitters: Pathogenic (9); Likely pathogenic (1). 7 of the submissions do not count toward it. Last evaluated 2026-07-06.

Conditions:
RHO-related disorder. Also called: RHO-related condition.
Retinal dystrophy. Also called: Inherited retinal dystrophy. Identifiers: Orphanet 71862, MedGen C0854723, MeSH D058499, MONDO:0019118, HP:0000556.
Retinitis pigmentosa (RP). Identifiers: Orphanet 791, MedGen C0035334, MeSH D012174, MONDO:0019200, OMIM 268000. Inheritance: Autosomal dominant, autosomal recessive and X linked inheritance.
Retinitis pigmentosa 4 (RP4). Also called: RETINITIS PIGMENTOSA, RHODOPSIN-RELATED. Identifiers: Orphanet 791, MedGen C3151001, MONDO:0013395, OMIM 613731.

Submissions (17):

Institute of Medical Genetics and Applied Genomics, University Hospital Tübingen
Classification: Pathogenic for Retinitis pigmentosa 4. Last evaluated: 2026-07-06. Review status: criteria provided, single submitter. Criteria: ACMG Guidelines, 2015. Collection method: clinical testing. Allele origin: germline. Affected: yes.

Labcorp Genetics (formerly Invitae), Labcorp
Classification: Pathogenic. Last evaluated: 2026-01-29. Review status: criteria provided, single submitter. Criteria: Invitae Variant Classification Sherloc (09022015). Collection method: clinical testing. Allele origin: germline.
Comment: This sequence change replaces glutamic acid, which is acidic and polar, with lysine, which is basic and polar, at codon 181 of the RHO protein (p.Glu181Lys). This variant is not present in population databases (gnomAD no frequency). This missense change has been observed in individual(s) with autosomal dominant retinitis pigmentosa (PMID: 1833777, 29068140). It has also been observed to segregate with disease in related individuals. ClinVar contains an entry for this variant (Variation ID: 196282). Invitae Evidence Modeling of protein sequence and biophysical properties (such as structural, functional, and spatial information, amino acid conservation, physicochemical variation, residue mobility, and thermodynamic stability) indicates that this missense variant is expected to disrupt RHO protein function with a positive predictive value of 95%. Experimental studies have shown that this missense change affects RHO function (PMID: 8253795, 19913029). For these reasons, this variant has been classified as Pathogenic.

Institute of Human Genetics, University of Leipzig Medical Center
Classification: Pathogenic for Retinitis pigmentosa 4. Last evaluated: 2024-06-28. Review status: criteria provided, single submitter. Criteria: ACMG Guidelines, 2015. Collection method: clinical testing. Allele origin: unknown. Inheritance: Autosomal dominant inheritance. Affected: yes.
Comment: Criteria applied: PS3,PS4,PM1,PM2,PP3

Blueprint Genetics
Classification: Pathogenic for RHO-related disorders. Last evaluated: 2024-01-18. Review status: criteria provided, single submitter. Criteria: ACMG Guidelines, 2015. Collection method: clinical testing. Allele origin: germline. Affected: yes. Observed: 5 variant alleles.

CeGaT Center for Human Genetics Tuebingen
Classification: Pathogenic. Last evaluated: 2023-10-01. Review status: criteria provided, single submitter. Criteria: CeGaT Center For Human Genetics Tuebingen Variant Classification Criteria Version 2. Collection method: clinical testing. Allele origin: germline. Affected: yes. Observed: 3 variant alleles.
Comment: RHO: PP1:Strong, PM1, PM2, PS4:Moderate, PS3:Supporting

Dept Of Ophthalmology, Nagoya University
Classification: Likely pathogenic for Retinal dystrophy. Last evaluated: 2023-10-01. Review status: criteria provided, single submitter. Criteria: Submitter's publication. Collection method: research. Allele origin: germline. Affected: yes.

3billion
Classification: Pathogenic for Retinitis pigmentosa 4. Last evaluated: 2023-09-11. Review status: criteria provided, single submitter. Criteria: ACMG Guidelines, 2015. Collection method: clinical testing. Allele origin: germline. Affected: yes.
Comment: The variant is not observed in the gnomAD v2.1.1 dataset. Predicted Consequence/Location: The variant is located in a mutational hot spot and/or well-established functional domain in which established pathogenic variants have been reported. Missense changes are a common disease-causing mechanism. In silico tool predictions suggest damaging effect of the variant on gene or gene product [REVEL: 0.84 (>=0.6, sensitivity 0.68 and specificity 0.92)]. Same nucleotide change resulting in same amino acid change has been previously reported as pathogenic/likely pathogenic with strong evidence (ClinVar ID: VCV000196282 /PMID: 1833777). Therefore, this variant is classified as Pathogenic according to the recommendation of ACMG/AMP guideline.

Centre for Genomic Medicine, Manchester, Central Manchester University Hospitals
Classification: Pathogenic for Retinitis pigmentosa 4. Last evaluated: 2020-09-01. Review status: criteria provided, single submitter. Criteria: ACMG Guidelines, 2015. Collection method: clinical testing. Allele origin: germline. Affected: yes. Observed: 6 heterozygotes.

Institute of Human Genetics, Univ. Regensburg, Univ. Regensburg
Classification: Pathogenic for Retinal dystrophy. Last evaluated: 2020-01-01. Review status: criteria provided, single submitter. Criteria: ACMG Guidelines, 2015. Collection method: clinical testing. Allele origin: germline. Affected: yes.

Eurofins Ntd Llc (ga)
Classification: Pathogenic. Last evaluated: 2014-12-18. Review status: criteria provided, single submitter. Criteria: EGL Classification Definitions 2015. Collection method: clinical testing. Allele origin: germline. Observed: 1 variant allele, 1 heterozygote.

PreventionGenetics, part of Exact Sciences
Classification: Pathogenic for RHO-related condition. Last evaluated: 2024-08-22. Review status: no assertion criteria provided. Collection method: clinical testing. Allele origin: germline. Not counted in ClinVar's aggregate classification.
Comment: The RHO c.541G>A variant is predicted to result in the amino acid substitution p.Glu181Lys. This variant has been reported many times as causative for autosomal dominant retinitis pigmentosa (see for examples: Dryja et al. 1991. PubMed ID: 1833777; Sohocki et al. 2001. PubMed ID: 11139241; Eisenberger et al. 2013. PubMed ID: 24265693: Table S4, Panneman et al. 2023. PubMed ID: 36819107). This variant has not been reported in the large population database gnomAD, indicating this variant is rare. This variant has been classified as pathogenic by multiple independent submitters to the ClinVar database. Given the evidence, we interpret this variant as pathogenic for autosomal dominant disease.

Sharon lab, Hadassah-Hebrew University Medical Center
Classification: Likely pathogenic for Retinitis pigmentosa. Last evaluated: 2019-06-23. Review status: no assertion criteria provided. Collection method: research. Allele origin: inherited. Affected: yes. Not counted in ClinVar's aggregate classification.

Department of Clinical Genetics, Copenhagen University Hospital, Rigshospitalet
Classification: Pathogenic for Retinitis pigmentosa. Last evaluated: 2018-04-01. Review status: no assertion criteria provided. Collection method: research. Allele origin: unknown. Affected: yes. Study: VeluxRD. Not counted in ClinVar's aggregate classification.

Joint Genome Diagnostic Labs from Nijmegen and Maastricht, Radboudumc and MUMC+
Classification: Pathogenic for Retinitis pigmentosa 4. Last evaluated: 2016-09-01. Review status: no assertion criteria provided. Collection method: clinical testing. Allele origin: unknown. Affected: yes. Observed: 1 variant allele. Not counted in ClinVar's aggregate classification.

NIHR Bioresource Rare Diseases, University of Cambridge
Classification: Likely pathogenic for Retinitis pigmentosa. Last evaluated: 2015-01-01. Review status: no assertion criteria provided. Collection method: research. Allele origin: unknown. Affected: yes. Observed: 1 variant allele. Not counted in ClinVar's aggregate classification.

Clinical Genetics, Academic Medical Center
Classification: Pathogenic. Review status: no assertion criteria provided. Collection method: clinical testing. Allele origin: germline. Affected: yes. Study: VKGL Data-share Consensus. Not counted in ClinVar's aggregate classification.

Joint Genome Diagnostic Labs from Nijmegen and Maastricht, Radboudumc and MUMC+
Classification: Pathogenic. Review status: no assertion criteria provided. Collection method: clinical testing. Allele origin: germline. Affected: yes. Study: VKGL Data-share Consensus. Not counted in ClinVar's aggregate classification.

Literature cited by the submitters: PubMed 1833777 (cited by 5 submitters); PubMed 29068140 (cited by Labcorp Genetics (formerly Invitae), Labcorp and Institute of Human Genetics, Univ. Regensburg, Univ. Regensburg); PubMed 8253795 (cited by Labcorp Genetics (formerly Invitae), Labcorp); PubMed 19913029 (cited by Labcorp Genetics (formerly Invitae), Labcorp); PubMed 11139241 (cited by Institute of Human Genetics, Univ. Regensburg, Univ. Regensburg); PubMed 21094163 (cited by Institute of Human Genetics, Univ. Regensburg, Univ. Regensburg and Eurofins Ntd Llc (ga)); PubMed 24265693 (cited by Institute of Human Genetics, Univ. Regensburg, Univ. Regensburg and Eurofins Ntd Llc (ga)); PubMed 24935155 (cited by Institute of Human Genetics, Univ. Regensburg, Univ. Regensburg and Eurofins Ntd Llc (ga)); PubMed 31054281 (cited by Institute of Human Genetics, Univ. Regensburg, Univ. Regensburg); PubMed 31213501 (cited by Institute of Human Genetics, Univ. Regensburg, Univ. Regensburg); PubMed 30977563 (cited by Institute of Human Genetics, Univ. Regensburg, Univ. Regensburg); PubMed 31456290 (cited by Institute of Human Genetics, Univ. Regensburg, Univ. Regensburg); PubMed 32581362 (cited by Institute of Human Genetics, Univ. Regensburg, Univ. Regensburg); PubMed 33781268 (cited by Institute of Human Genetics, Univ. Regensburg, Univ. Regensburg); PubMed 33749171 (cited by Institute of Human Genetics, Univ. Regensburg, Univ. Regensburg); PubMed 36460718 (cited by Institute of Human Genetics, Univ. Regensburg, Univ. Regensburg); PubMed 36819107 (cited by Institute of Human Genetics, Univ. Regensburg, Univ. Regensburg); PubMed 30718709 (cited by Department of Clinical Genetics, Copenhagen University Hospital, Rigshospitalet); PubMed 28041643 (cited by NIHR Bioresource Rare Diseases, University of Cambridge).